The following is an entry in ClinVar:

NM_170784.3(MKKS):c.749G>A (p.Gly250Glu)

Gene: MKKS (MKKS centrosomal shuttling protein; minus strand). Cytogenetic location: 20p12.2.
Variant type: single nucleotide variant.
Coding change: c.749G>A on transcript NM_170784.3 (MANE Select); coding-DNA position 749, G replaced by A.
Protein change: p.Gly250Glu; replaces glycine 250 with glutamic acid.
Molecular consequence: missense variant.
Genome position (GRCh38, 1-based): chr20:10,412,766, C>T on the plus strand (G>A on the coding strand, the complement: MKKS is on the minus strand). VCF-style: chr20-10412766-C-T. GRCh37 (hg19) VCF-style: chr20-10393414-C-T.
Other names: c.749G>A, p.Gly250Glu (NM_018848.3); short protein forms G250E.
Identifiers: ClinVar variation 649204 (VCV000649204.12), dbSNP rs972466774, ClinGen allele CA311323598.

ClinVar aggregate classification (germline): Conflicting classifications of pathogenicity. Review status: criteria provided, conflicting classifications (1 of 4 stars). 3 submissions from 3 submitters: Pathogenic (1); Likely pathogenic (1); Uncertain significance (1). Last evaluated 2025-10-21.

Conditions:
MKKS-related disorder. Also called: MKKS-related disorders; MKKS-related condition.
McKusick-Kaufman syndrome (MKKS). Also called: HYDROMETROCOLPOS SYNDROME; HYDROMETROCOLPOS, POSTAXIAL POLYDACTYLY, AND CONGENITAL HEART MALFORMATION. Identifiers: Orphanet 2473, MedGen C0948368, MONDO:0009367, OMIM 236700.
Bardet-Biedl syndrome (BBS). Identifiers: Orphanet 110, MedGen C0752166, MONDO:0015229.

Allele frequency attached by ClinVar (database versions not stated): gnomAD exomes 0.00001; TOPMed 0.00001; gnomAD 0.00003.

Submissions (3):

Labcorp Genetics (formerly Invitae), Labcorp
Classification: Pathogenic for McKusick-Kaufman syndrome; Bardet-Biedl syndrome. Last evaluated: 2025-10-21. Review status: criteria provided, single submitter. Criteria: Invitae Variant Classification Sherloc (09022015). Collection method: clinical testing. Allele origin: germline.
Comment: This sequence change replaces glycine, which is neutral and non-polar, with glutamic acid, which is acidic and polar, at codon 250 of the MKKS protein (p.Gly250Glu). This variant is not present in population databases (gnomAD no frequency). This missense change has been observed in individual(s) with clinical features of Bardet-Biedl syndrome (internal data). ClinVar contains an entry for this variant (Variation ID: 649204). Invitae Evidence Modeling of protein sequence and biophysical properties (such as structural, functional, and spatial information, amino acid conservation, physicochemical variation, residue mobility, and thermodynamic stability) indicates that this missense variant is expected to disrupt MKKS protein function with a positive predictive value of 95%. Studies have shown that this missense change does not affect mRNA splicing (PMID: 34663891). This variant disrupts the p.Gly250 amino acid residue in MKKS. Other variant(s) that disrupt this residue have been determined to be pathogenic (PMID: 20142850, 24400638; internal data). This suggests that this residue is clinically significant, and that variants that disrupt this residue are likely to be disease-causing. For these reasons, this variant has been classified as Pathogenic.

PreventionGenetics, part of Exact Sciences
Classification: Uncertain significance for MKKS-related condition. Last evaluated: 2022-11-08. Review status: criteria provided, single submitter. Criteria: ACMG Guidelines, 2015. Collection method: clinical testing. Allele origin: germline.
Comment: The MKKS c.749G>A variant is predicted to result in the amino acid substitution p.Gly250Glu. In vitro RNA analysis of this variant found that it was not associated with an effect on splicing (Wai et al. 2020. PubMed ID: 32123317, Variant Summary). Alternate nucleotide changes affecting the same amino acid (c.748G>A; Gly250Arg) have been previously reported in the homozygous state in individuals with Bardet-Biedl syndrome (see for example Pereiro et al. 2010. PubMed ID: 20142850; Sathya Priya et al. 2015. PubMed ID: 24400638). This variant is reported in 0.0065% of alleles in individuals of European (Non-Finnish) descent in gnomAD. Although we suspect that this variant may be pathogenic, at this time, the clinical significance of this variant is uncertain due to the absence of conclusive functional and genetic evidence.

Blueprint Genetics
Classification: Likely pathogenic for MKKS-related disorders. Last evaluated: 2022-01-25. Review status: criteria provided, single submitter. Criteria: ACMG Guidelines, 2015. Collection method: clinical testing. Allele origin: germline. Affected: yes. Observed: 2 variant alleles.

Literature cited by the submitters: PubMed 34663891 (cited by Labcorp Genetics (formerly Invitae), Labcorp); PubMed 20142850 (cited by Labcorp Genetics (formerly Invitae), Labcorp); PubMed 24400638 (cited by Labcorp Genetics (formerly Invitae), Labcorp).